The following continues an entry in ClinVar:

NM_000465.4(BARD1):c.659T>C (p.Leu220Ser)

Gene: BARD1. ClinVar aggregate classification (germline): Conflicting classifications of pathogenicity. Uncertain significance (15); Likely benign (2).

Submissions 14 to 18 of 18:

Women's Health and Genetics/Laboratory Corporation of America, LabCorp
Classification: Uncertain significance. Last evaluated: 2023-04-04. Review status: criteria provided, single submitter. Criteria: LabCorp Variant Classification Summary - May 2015. Collection method: clinical testing. Allele origin: germline.
Comment: Variant summary: BARD1 c.659T>C (p.Leu220Ser) results in a non-conservative amino acid change in the encoded protein sequence. Three of five in-silico tools predict a benign effect of the variant on protein function. The variant allele was found at a frequency of 7.9e-05 in 239542 control chromosomes (gnomAD). This frequency is not significantly higher than estimated for a pathogenic variant in BARD1 causing Hereditary Breast And Ovarian Cancer Syndrome (7.9e-05 vs 0.00025), allowing no conclusion about variant significance. c.659T>C has been reported in the literature in individuals affected with Breast cancer, Ovarian Cancer or brain tumors (Ramus_2015, Zhang_2015, Dorling_2021, Maurer_2022) and breast cancer unaffected individuals (Dorling_2021). These reports do not provide unequivocal conclusions about association of the variant with Hereditary Breast And Ovarian Cancer Syndrome. To our knowledge, no experimental evidence demonstrating an impact on protein function has been reported. Eight (other) submitters have provided clinical-significance assessments for this variant to ClinVar after 2014, and classified it as uncertain significance (n=7) or likely benign (n=1). Based on the evidence outlined above, the variant was classified as uncertain significance.

Sema4
Classification: Uncertain significance for Hereditary cancer-predisposing syndrome. Last evaluated: 2021-12-28. Review status: criteria provided, single submitter. Criteria: Sema4 Curation Guidelines. Collection method: curation. Allele origin: germline.
Comment: The BARD1 c.659T>C (p.L220S) variant has been reported in heterozygosity in multiple individuals with breast and/or ovarian cancer and glioma (PMID: 26580448, 28301456, 26315354, 33471991), but has also been identified in healthy controls (PMID: 33471991, 26315354). It was observed in 22/123262 chromosomes of the Non-Finnish European subpopulation, with no homozygotes, in the large and broad cohorts of the Genome Aggregation Database (PMID: 32461654). The variant has been reported in ClinVar (Variation ID 142225). In silico tools suggest the impact of the variant on protein function is inconclusive, though these predictions have not been confirmed by functional studies. The evidence is insufficient to meet ACMG/AMP criteria for classifying the variant as benign or pathogenic. Thus, the clinical significance of this variant is currently uncertain.

CeGaT Center for Human Genetics Tuebingen
Classification: Uncertain significance. Last evaluated: 2017-08-01. Review status: criteria provided, single submitter. Criteria: CeGaT Center For Human Genetics Tuebingen Variant Classification Criteria Version 2. Collection method: clinical testing. Allele origin: germline. Affected: yes. Observed: 1 variant allele.

Illumina Laboratory Services, Illumina
Classification: Uncertain significance for Familial cancer of breast. Last evaluated: 2017-04-27. Review status: criteria provided, single submitter. Criteria: ICSL Variant Classification Criteria 13 December 2019. Collection method: clinical testing. Allele origin: germline.
Comment: This variant was observed as part of a predisposition screen in an ostensibly healthy population. A literature search was performed for the gene, cDNA change, and amino acid change (where applicable). Publications were found based on this search. However, the evidence from the literature, in combination with allele frequency data from public databases where available, was not sufficient to rule this variant in or out of causing disease. Therefore, this variant is classified as a variant of unknown significance.

Department of Pathology and Laboratory Medicine, Sinai Health System
Classification: Uncertain significance for Malignant tumor of breast. Review status: no assertion criteria provided. Collection method: clinical testing. Allele origin: unknown. Affected: yes. Observed: 1 variant allele. Study: The Canadian Open Genetics Repository (COGR). Not counted in ClinVar's aggregate classification.
Comment: The BARD1 p.Leu220Ser variant was identified in 2 of 6748 proband chromosomes (frequency: 0.0003) from individuals or families with ovarian cancer (Ramus 2015). The variant was also identified in dbSNP (ID: rs138593305 as "With Uncertain significance allele"), ClinVar (classified as uncertain significance by Ambry Genetics, GeneDx, Invitae, and two other clinical laboratories), MutDB, and the Zhejiang University Database. The variant was not identified in the Cosmic database. The variant was identified in control databases in 22 of 257210 chromosomes at a frequency of 0.00008 (Genome Aggregation Database Feb 27, 2017). The variant was observed in the following populations: European in 21 of 120654 chromosomes (freq: 0.0002) and Ashkenazi Jewish in 1 of 8898 chromosomes (freq: 0.0001), but not in the African, Other, Latino, East Asian, Finnish, or South Asian populations. The p.Leu220 residue is not conserved in mammals and computational analyses (PolyPhen-2, SIFT, AlignGVGD, MutationTaster) provide inconsistent predictions regarding the impact to the protein; this information is not very predictive of pathogenicity. The variant occurs outside of the splicing consensus sequence and 4 of 4 in silico or computational prediction software programs (SpliceSiteFinder, MaxEntScan, NNSPLICE, GeneSplicer) do not predict a difference in splicing. In summary, based on the above information, the clinical significance of this variant cannot be determined with certainty at this time. This variant is classified as a variant of uncertain significance.

Literature cited by the submitters: PubMed 26315354 (cited by 4 submitters); PubMed 26580448 (cited by 4 submitters); PubMed 28301456 (cited by 3 submitters); PubMed 36187937 (cited by 3 submitters); PubMed 38153744 (cited by Labcorp Genetics (formerly Invitae), Labcorp and Quest Diagnostics Nichols Institute San Juan Capistrano); PubMed 33471991 (cited by 3 submitters); PubMed 32885271 (cited by Quest Diagnostics Nichols Institute San Juan Capistrano); PubMed 25085752 (cited by Myriad Genetics, Inc.); PubMed 23056176 (cited by Women's Health and Genetics/Laboratory Corporation of America, LabCorp and Illumina Laboratory Services, Illumina).